The following is an entry in ClinVar:

NM_001370259.2(MEN1):c.1675A>T (p.Lys559Ter)

Gene: MEN1 (menin 1; minus strand). Cytogenetic location: 11q13.1.
Variant type: single nucleotide variant.
Coding change: c.1675A>T on transcript NM_001370259.2 (MANE Select); coding-DNA position 1675, A replaced by T.
Protein change: p.Lys559Ter; replaces lysine 559 with a stop codon.
Molecular consequence: nonsense.
Genome position (GRCh38, 1-based): chr11:64,804,492, T>A on the plus strand (A>T on the coding strand, the complement: MEN1 is on the minus strand). VCF-style: chr11-64804492-T-A. GRCh37 (hg19) VCF-style: chr11-64571964-T-A.
Other names: c.1690A>T, p.Lys564Ter (NM_000244.4, NM_001407145.1, NM_130800.3 and 4 more transcripts); c.1801A>T, p.Lys601Ter (NM_001370251.2, NM_001407142.1, NM_001407143.1 and 1 more transcripts); c.1675A>T, p.Lys559Ter (NM_001370260.2, NM_001370261.2, NM_001407146.1 and 2 more transcripts); c.1570A>T, p.Lys524Ter (NM_001370262.2, NM_001370263.2, NM_001407148.1 and 1 more transcripts); c.1816A>T, p.Lys606Ter (NM_001407150.1); c.1696A>T, p.Lys566Ter (NM_001407151.1); c.1510A>T, p.Lys504Ter (NM_001407152.1); short protein forms K564*, K601*, K566*, K606*, K559*, K524*, K504*.
Identifiers: ClinVar variation 1777773 (VCV001777773.2), dbSNP rs2497106492, ClinGen allele CA381177740.
Genomic context (GRCh38, chr11:64,804,492, plus strand): 5'-GTTGCAGCTTGATGGCGCTCGAGTTGATCTTGGTGGCCACCAGCAGCTCCTTCATGCCCT[T>A]CATCTTCTCACTCTGGAAAGTGAGCACTGGACCCTCCGGCGGTGGTGATGCTGTGGGTGC-3'

ClinVar aggregate classification (germline): Pathogenic (1 of 4 stars; one submission).

Conditions:
Hereditary cancer-predisposing syndrome. Also called: Neoplastic Syndromes, Hereditary; Tumor predisposition; Hereditary Cancer Syndrome; Hereditary neoplastic syndrome. Identifiers: Orphanet 140162, MedGen C0027672, MeSH D009386, MONDO:0015356.

Submission:

Ambry Genetics
Classification: Pathogenic for Hereditary cancer-predisposing syndrome. Last evaluated: 2022-05-25. Review status: criteria provided, single submitter. Criteria: Ambry Variant Classification Scheme 2023. Collection method: clinical testing. Allele origin: germline.
Comment: The p.K559* pathogenic mutation (also known as c.1675A>T), located in coding exon 9 of the MEN1 gene, results from an A to T substitution at nucleotide position 1675. This changes the amino acid from a lysine to a stop codon within coding exon 9. This alteration occurs at the 3' terminus of theMEN1 gene, is not expected to trigger nonsense-mediated mRNA decay, and only impacts the last 52 amino acids of the protein. However, premature stop codons are typically deleterious in nature and the impacted region is critical for protein function (Ambry internal data). This variant has been identified in individuals with a clinical diagnosis of multiple endocrine neoplasia type 1 (MEN1) (Tso AW et al. Clin Endocrinol (Oxf), 2003 Jul;59:129-35; Ambry internal data). This variant is also considered to be rare based on population cohorts in the Genome Aggregation Database (gnomAD). Based on the supporting evidence, this alteration is interpreted as a disease-causing mutation.

Literature cited by the submitters: PubMed 12807514.